The following is an entry in ClinVar:

ClinVar aggregate classification (germline): Uncertain significance. Review status: criteria provided, multiple submitters, no conflicts (2 of 4 stars). 2 submissions from 2 submitters: Uncertain significance (2). Last evaluated 2024-04-26.

Allele frequency attached by ClinVar (database versions not stated): gnomAD exomes below 0.00001.
gnomAD v4.1: 2 of 1,432,854 alleles (0.00014%); highest among the groups gnomAD compares: South Asian, 0.0014%; no homozygotes.

Submissions (2):

GeneDx
Classification: Uncertain significance. Last evaluated: 2024-04-26. Review status: criteria provided, single submitter. Criteria: GeneDx Variant Classification Process June 2021. Collection method: clinical testing. Allele origin: germline. Affected: yes.
Comment: Not observed at significant frequency in large population cohorts (gnomAD); In silico analysis supports that this missense variant has a deleterious effect on protein structure/function; Has not been previously published as pathogenic or benign to our knowledge

Genetic Services Laboratory, University of Chicago
Classification: Uncertain significance. Last evaluated: 2021-07-30. Review status: criteria provided, single submitter. Criteria: ACMG Guidelines, 2015. Collection method: clinical testing. Allele origin: germline. Affected: no.
Comment: This sequence change does not appear to have been previously described in patients with TERT-related disorders and has not been described in the population databases such as gnomAD and ExAC. The p.Arg30Cys change affects a moderately conserved amino acid residue located in a domain of the TERT protein that is not known to be functional. In-silico pathogenicity prediction tools (SIFT, PolyPhen2, Align GVGD, REVEL) provide contradictory results for the p.Arg30Cys substitution. Due to these contrasting evidences and the lack of functional studies, the clinical significance of the p.Arg30Cys change remains unknown at this time.

NM_198253.3(TERT):c.88C>T (p.Arg30Cys)

Genes: TERT (telomerase reverse transcriptase; minus strand), LOC110806263 (TERT 5' regulatory region; plus strand). Cytogenetic location: 5p15.33.
Variant type: single nucleotide variant.
Coding change: c.88C>T on transcript NM_198253.3 (MANE Select); coding-DNA position 88, C replaced by T.
Protein change: p.Arg30Cys; replaces arginine 30 with cysteine.
Molecular consequence: missense variant. On other transcripts: non-coding transcript variant (2).
Genome position (GRCh38, 1-based): chr5:1,294,902, G>A on the plus strand (C>T on the coding strand, the complement: TERT is on the minus strand). VCF-style: chr5-1294902-G-A. GRCh37 (hg19) VCF-style: chr5-1295017-G-A.
Other names: c.88C>T, p.Arg30Cys (NM_001193376.3); short protein forms R30C.
Identifiers: ClinVar variation 1338021 (VCV001338021.5), dbSNP rs2126692283, ClinGen allele CA359059456.
Genomic context (GRCh38, chr5:1,294,902, plus strand): 5'-GCGCGCGGAAAGCCGCCGGGTCCCCGCGCTGCACCAGCCGCCAGCCCTGGGGCCCCAGGC[G>A]CCGCACGAACGTGGCCAGCGGCAGCACCTCGCGGTAGTGGCTGCGCAGCAGGGAGCGCAC-3'
Protein context (NP_937983.2, residues 20-40): EVLPLATFVR[Arg30Cys]LGPQGWRLVQ